The following is an entry in ClinVar:

NM_001042492.3(NF1):c.*582T>G

Gene: NF1 (neurofibromin 1; plus strand). Cytogenetic location: 17q11.2.
Variant type: single nucleotide variant.
Coding change: c.*582T>G on transcript NM_001042492.3 (MANE Select); 582 bases downstream of the stop codon, T replaced by G.
Molecular consequence: 3 prime UTR variant.
Genome position (GRCh38, 1-based): chr17:31,374,737, T>G. VCF-style: chr17-31374737-T-G. GRCh37 (hg19) VCF-style: chr17-29701755-T-G.
Other names: c.*582T>G (NM_000267.4).
Identifiers: ClinVar variation 891375 (VCV000891375.31), dbSNP rs532984264, ClinGen allele CA289712562.

ClinVar aggregate classification (germline): Benign/Likely benign. Review status: criteria provided, multiple submitters, no conflicts (2 of 4 stars). 5 submissions from 2 submitters: Benign (1); Likely benign (4). Last evaluated 2023-05-01.

Conditions:
Neurofibromatosis-Noonan syndrome (NFNS). Also called: NEUROFIBROMATOSIS WITH NOONAN PHENOTYPE. Identifiers: Orphanet 638, MedGen C2931482, MONDO:0011035, OMIM 601321. Disease mechanism: loss of function.
Neurofibromatosis, familial spinal (FSNF). Identifiers: Orphanet 636, MedGen C1834235, MONDO:0008078, OMIM 162210. Disease mechanism: loss of function.
Café-au-lait macules with pulmonary stenosis (WTSN). Also called: PULMONIC STENOSIS WITH CAFE-AU-LAIT SPOTS. Identifiers: MedGen C0553586, MONDO:0008672, OMIM 193520.
Neurofibromatosis, type 1 (NF1). Also called: Neurofibromatosis, type I; VON RECKLINGHAUSEN DISEASE; Peripheral type neurofibromatosis; NEUROFIBROMATOSIS, TYPE I, SOMATIC. Identifiers: Orphanet 636, MedGen C0027831, MONDO:0018975, OMIM 162200. Disease mechanism: loss of function.

Allele frequency attached by ClinVar (database versions not stated): gnomAD exomes 0.00034; gnomAD 0.00158 and 0.00169; 1000 Genomes Project 0.00160; TOPMed 0.00177; 1000 Genomes Project 30x 0.00265.
gnomAD v4.1: 261 of 222,774 alleles (0.12%); highest among the groups gnomAD compares: African/African-American, 0.55%; 1 homozygote.

Submissions (5):

CeGaT Center for Human Genetics Tuebingen
Classification: Likely benign. Last evaluated: 2023-05-01. Review status: criteria provided, single submitter. Criteria: CeGaT Center For Human Genetics Tuebingen Variant Classification Criteria Version 2. Collection method: clinical testing. Allele origin: germline. Affected: yes. Observed: 1 variant allele.
Comment: NF1: BS1

Illumina Laboratory Services, Illumina
Classification: Benign for Neurofibromatosis-Noonan syndrome. Last evaluated: 2018-01-12. Review status: criteria provided, single submitter. Criteria: ICSL Variant Classification Criteria 13 December 2019. Collection method: clinical testing. Allele origin: germline.
Comment: This variant was observed in the ICSL laboratory as part of a predisposition screen in an ostensibly healthy population. It had not been previously curated by ICSL or reported in the Human Gene Mutation Database (HGMD: prior to June 1st, 2018), and was therefore a candidate for classification through an automated scoring system. Utilizing variant allele frequency, disease prevalence and penetrance estimates, and inheritance mode, an automated score was calculated to assess if this variant is too frequent to cause the disease. Based on the score and internal cut-off values, a variant classified as benign is not then subjected to further curation. The score for this variant resulted in a classification of benign for this disease.

Illumina Laboratory Services, Illumina
Classification: Likely benign for Café-au-lait macules with pulmonary stenosis. Last evaluated: 2018-01-12. Review status: criteria provided, single submitter. Criteria: ICSL Variant Classification Criteria 13 December 2019. Collection method: clinical testing. Allele origin: germline.
Comment: This variant was observed in the ICSL laboratory as part of a predisposition screen in an ostensibly healthy population. It had not been previously curated by ICSL or reported in the Human Gene Mutation Database (HGMD: prior to June 1st, 2018), and was therefore a candidate for classification through an automated scoring system. Utilizing variant allele frequency, disease prevalence and penetrance estimates, and inheritance mode, an automated score was calculated to assess if this variant is too frequent to cause the disease. Based on the score and internal cut-off values, a variant classified as likely benign is not then subjected to further curation. The score for this variant resulted in a classification of likely benign for this disease.

Illumina Laboratory Services, Illumina
Classification: Likely benign for Neurofibromatosis, type 1. Last evaluated: 2018-01-12. Review status: criteria provided, single submitter. Criteria: ICSL Variant Classification Criteria 13 December 2019. Collection method: clinical testing. Allele origin: germline.
Comment: the same text as in the submission from Illumina Laboratory Services, Illumina above.

Illumina Laboratory Services, Illumina
Classification: Likely benign for Neurofibromatosis, familial spinal. Last evaluated: 2018-01-12. Review status: criteria provided, single submitter. Criteria: ICSL Variant Classification Criteria 13 December 2019. Collection method: clinical testing. Allele origin: germline.
Comment: the same text as in the submission from Illumina Laboratory Services, Illumina above.